The following is an entry in ClinVar:

ClinVar aggregate classification (germline): Uncertain significance (1 of 4 stars; one submission).

Allele frequency attached by ClinVar (database versions not stated): gnomAD exomes below 0.00001; TOPMed below 0.00001; gnomAD 0.00001.
gnomAD v4.1: 5 of 1,613,918 alleles (0.00031%); highest among the groups gnomAD compares: East Asian, 0.0022%; no homozygotes.

Submission:

Labcorp Genetics (formerly Invitae), Labcorp
Classification: Uncertain significance. Last evaluated: 2018-10-18. Review status: criteria provided, single submitter. Criteria: Invitae Variant Classification Sherloc (09022015). Collection method: clinical testing. Allele origin: germline.
Comment: In summary, the available evidence is currently insufficient to determine the role of this variant in disease. Therefore, it has been classified as a Variant of Uncertain Significance. Algorithms developed to predict the effect of missense changes on protein structure and function output the following: SIFT: "Tolerated"; PolyPhen-2: "Benign"; Align-GVGD: "Class C0". The valine amino acid residue is found in multiple mammalian species, suggesting that this missense change does not adversely affect protein function. These predictions have not been confirmed by published functional studies and their clinical significance is uncertain. This variant has not been reported in the literature in individuals with MTOR-related disease. This variant is not present in population databases (ExAC no frequency). This sequence change replaces isoleucine with valine at codon 2150 of the MTOR protein (p.Ile2150Val). The isoleucine residue is moderately conserved and there is a small physicochemical difference between isoleucine and valine.

NM_004958.4(MTOR):c.6448A>G (p.Ile2150Val)

Gene: MTOR (mechanistic target of rapamycin kinase; minus strand). Cytogenetic location: 1p36.22.
Variant type: single nucleotide variant.
Coding change: c.6448A>G on transcript NM_004958.4 (MANE Select); coding-DNA position 6448, A replaced by G.
Protein change: p.Ile2150Val; replaces isoleucine 2150 with valine.
Molecular consequence: missense variant.
Genome position (GRCh38, 1-based): chr1:11,126,700, T>C on the plus strand (A>G on the coding strand, the complement: MTOR is on the minus strand). VCF-style: chr1-11126700-T-C. GRCh37 (hg19) VCF-style: chr1-11186757-T-C.
Other names: c.6448A>G (LRG_734t1); short protein forms I2150V.
Identifiers: ClinVar variation 664287 (VCV000664287.8), dbSNP rs1416703666, ClinGen allele CA338389732.
Genomic context (GRCh38, chr1:11,126,700, plus strand): 5'-GGGGCCTCTGCTTGGATGTGATGACTTGCAAAGACGGTGCTATGGACTGAATGCGAATGA[T>C]TGGCTGGTTGGGGTCATATGTTCCTGGCACAGCCAATTCAAGGTCCCGGCACATCAGAAG-3'
Protein context (NP_004949.1, residues 2140-2160): VPGTYDPNQP[Ile2150Val]IRIQSIAPSL